The following is an entry in ClinVar:

ClinVar aggregate classification (germline): Uncertain significance (1 of 4 stars; one submission).

Conditions:
Perlman syndrome (PRLMNS). Identifiers: Orphanet 2849, MedGen C0796113, MONDO:0009965, OMIM 267000.

Submission:

Labcorp Genetics (formerly Invitae), Labcorp
Classification: Uncertain significance for Perlman syndrome. Last evaluated: 2021-04-23. Review status: criteria provided, single submitter. Criteria: Invitae Variant Classification Sherloc (09022015). Collection method: clinical testing. Allele origin: germline.
Comment: This sequence change replaces tyrosine with asparagine at codon 575 of the DIS3L2 protein (p.Tyr575Asn). The tyrosine residue is moderately conserved and there is a large physicochemical difference between tyrosine and asparagine. In summary, the available evidence is currently insufficient to determine the role of this variant in disease. Therefore, it has been classified as a Variant of Uncertain Significance. Algorithms developed to predict the effect of missense changes on protein structure and function are either unavailable or do not agree on the potential impact of this missense change (SIFT: "Tolerated"; PolyPhen-2: "Possibly Damaging"; Align-GVGD: "Class C0"). This variant has not been reported in the literature in individuals with DIS3L2-related conditions. This variant is not present in population databases (ExAC no frequency).

NM_152383.5(DIS3L2):c.1723T>A (p.Tyr575Asn)

Gene: DIS3L2 (DIS3 like 3'-5' exoribonuclease 2; plus strand). Cytogenetic location: 2q37.1.
Variant type: single nucleotide variant.
Coding change: c.1723T>A on transcript NM_152383.5 (MANE Select); coding-DNA position 1723, T replaced by A.
Protein change: p.Tyr575Asn; replaces tyrosine 575 with asparagine.
Molecular consequence: missense variant. On other transcripts: non-coding transcript variant (2), intron variant (1).
Genome position (GRCh38, 1-based): chr2:232,300,103, T>A. VCF-style: chr2-232300103-T-A. GRCh37 (hg19) VCF-style: chr2-233164813-T-A.
Other names: c.1581+36741T>A (NM_001257281.2); short protein forms Y575N.
Identifiers: ClinVar variation 1389982 (VCV001389982.8), dbSNP rs2106321224, ClinGen allele CA350978695.